The following is an entry in ClinVar:

ClinVar aggregate classification (germline): Likely benign (0 of 4 stars; one submission).

Conditions:
IQGAP3-related disorder. Also called: IQGAP3-related condition.

Allele frequency attached by ClinVar (database versions not stated): 1000 Genomes Project 0.00020; 1000 Genomes Project 30x 0.00062; TOPMed 0.00132; gnomAD 0.00134; ExAC 0.00138; ESP Exome Variant Server 0.00161; gnomAD exomes 0.00247.
gnomAD v4.1: 3,785 of 1,613,878 alleles (0.23%); highest among the groups gnomAD compares: Non-Finnish European, 0.3%; 4 homozygotes.

Submission:

PreventionGenetics, part of Exact Sciences
Classification: Likely benign for IQGAP3-related condition. Last evaluated: 2019-02-20. Review status: no assertion criteria provided. Collection method: clinical testing. Allele origin: germline.
Comment: This variant is classified as likely benign based on ACMG/AMP sequence variant interpretation guidelines (Richards et al. 2015 PMID: 25741868, with internal and published modifications).

NM_178229.5(IQGAP3):c.3846C>T (p.Thr1282=)

Gene: IQGAP3 (IQ motif containing GTPase activating protein 3; minus strand). Cytogenetic location: 1q22.
Variant type: single nucleotide variant.
Coding change: c.3846C>T on transcript NM_178229.5 (MANE Select); coding-DNA position 3846, C replaced by T.
Protein change: p.Thr1282=; no amino-acid change (threonine 1282 retained).
Molecular consequence: synonymous variant.
Genome position (GRCh38, 1-based): chr1:156,534,036, G>A on the plus strand (C>T on the coding strand, the complement: IQGAP3 is on the minus strand). VCF-style: chr1-156534036-G-A. GRCh37 (hg19) VCF-style: chr1-156503828-G-A.
Identifiers: ClinVar variation 3033216 (VCV003033216.2), dbSNP rs80078241, ClinGen allele CA1160903.